The following is an entry in ClinVar:

ClinVar aggregate classification (germline): Uncertain significance (1 of 4 stars; one submission).

Conditions:
Cardiovascular phenotype. Identifiers: MedGen CN230736.

Submission:

Ambry Genetics
Classification: Uncertain significance for Cardiovascular phenotype. Last evaluated: 2026-07-13. Review status: criteria provided, single submitter. Criteria: Ambry Variant Classification Scheme 2023. Collection method: clinical testing. Allele origin: germline.
Comment: The p.F2531Y variant (also known as c.7592T>A), located in coding exon 31 of the AKAP9 gene, results from a T to A substitution at nucleotide position 7592. The phenylalanine at codon 2531 is replaced by tyrosine, an amino acid with highly similar properties. This amino acid position is conserved. In addition, this alteration is predicted to be tolerated by in silico analysis. Based on the available evidence, the clinical significance of this variant remains unclear.

NM_005751.5(AKAP9):c.7592T>A (p.Phe2531Tyr)

Gene: AKAP9 (A-kinase anchoring protein 9; plus strand). Cytogenetic location: 7q21.2.
Variant type: single nucleotide variant.
Coding change: c.7592T>A on transcript NM_005751.5 (MANE Select); coding-DNA position 7592, T replaced by A.
Protein change: p.Phe2531Tyr; replaces phenylalanine 2531 with tyrosine.
Molecular consequence: missense variant.
Genome position (GRCh38, 1-based): chr7:92,079,725, T>A. VCF-style: chr7-92079725-T-A. GRCh37 (hg19) VCF-style: chr7-91709039-T-A.
Other names: c.2237T>A, p.Phe746Tyr (NM_001379277.1); c.7568T>A, p.Phe2523Tyr (NM_147185.3); short protein forms F2531Y, F2523Y, F746Y.
Identifiers: ClinVar variation 5033945 (VCV005033945.1).